The following is an entry in ClinVar:

NM_000891.3(KCNJ2):c.301T>C (p.Cys101Arg)

Gene: KCNJ2 (potassium inwardly rectifying channel subfamily J member 2; plus strand). Cytogenetic location: 17q24.3.
Variant type: single nucleotide variant.
Coding change: c.301T>C on transcript NM_000891.3 (MANE Select); coding-DNA position 301, T replaced by C.
Protein change: p.Cys101Arg; replaces cysteine 101 with arginine.
Molecular consequence: missense variant.
Genome position (GRCh38, 1-based): chr17:70,175,340, T>C. VCF-style: chr17-70175340-T-C. GRCh37 (hg19) VCF-style: chr17-68171481-T-C.
Other names: c.301T>C (LRG_328t1); short protein forms C101R.
Identifiers: ClinVar variation 67570 (VCV000067570.1), dbSNP rs199473374, ClinGen allele CA145016.

ClinVar aggregate classification (germline): not provided (0 of 4 stars; one submission).

Conditions:
Ventricular tachycardia. Identifiers: MedGen C0042514, MONDO:0005477, HP:0004756.

Submission:

Cardiovascular Biomedical Research Unit, Royal Brompton & Harefield NHS Foundation Trust
No classification provided. Condition: Ventricular tachycardia. Review status: no classification provided. Collection method: literature only. Allele origin: germline.
Comment: This variant has been reported as associated with Ventricular tachycardia in the following publications (PMID:15851159;PMID:15911703). This is a literature report, and does not necessarily reflect the clinical interpretation of the Imperial College / Royal Brompton Cardiovascular Genetics laboratory.

Literature cited by the submitters: PubMed 15851159; PubMed 15911703; PubMed 22581653.